The following is an entry in ClinVar:

ClinVar aggregate classification (germline): Uncertain significance (1 of 4 stars; one submission).

gnomAD v4.1: 3 of 1,603,216 alleles (0.00019%); highest among the groups gnomAD compares: Admixed American, 0.005%; no homozygotes.

Submission:

GeneDx
Classification: Uncertain significance. Last evaluated: 2023-06-05. Review status: criteria provided, single submitter. Criteria: GeneDx Variant Classification Process June 2021. Collection method: clinical testing. Allele origin: germline. Affected: yes.
Comment: In silico analysis supports that this missense variant has a deleterious effect on protein structure/function; Has not been previously published as pathogenic or benign to our knowledge

NM_017780.4(CHD7):c.4868A>T (p.Asp1623Val)

Gene: CHD7 (chromodomain helicase DNA binding protein 7; plus strand). Cytogenetic location: 8q12.2.
Variant type: single nucleotide variant.
Coding change: c.4868A>T on transcript NM_017780.4 (MANE Select); coding-DNA position 4868, A replaced by T.
Protein change: p.Asp1623Val; replaces aspartic acid 1623 with valine.
Molecular consequence: missense variant. On other transcripts: intron variant (1).
Genome position (GRCh38, 1-based): chr8:60,844,881, A>T. VCF-style: chr8-60844881-A-T. GRCh37 (hg19) VCF-style: chr8-61757440-A-T.
Other names: c.1717-17348A>T (NM_001316690.1); short protein forms D1623V.
Identifiers: ClinVar variation 3359272 (VCV003359272.1).
Genomic context (GRCh38, chr8:60,844,881, plus strand): 5'-AAAACTCACAGGCACCTCTGCATGCTGGATATTTGCTTTGCAGTTGGGGACGGTGGACAG[A>T]CATTCTTTCCCACGGACGCTATAAACGCCAACTCACTGAGCAAGATGTAGAAACCATCTG-3'
Protein context (NP_060250.2, residues 1613-1633): LLVYGWGRWT[Asp1623Val]ILSHGRYKRQ